The following continues an entry in ClinVar:

NM_002878.4(RAD51D):c.715C>T (p.Arg239Trp)

ClinVar aggregate classification (germline): Conflicting classifications of pathogenicity. Uncertain significance (12); Likely benign (3).

Submissions 10 to 17 of 17:

ARUP Laboratories, Molecular Genetics and Genomics, ARUP Laboratories
Classification: Uncertain significance for Breast-ovarian cancer, familial, susceptibility to, 4. Last evaluated: 2024-03-20. Review status: criteria provided, single submitter. Criteria: ARUP Molecular Germline Variant Investigation Process 2024. Collection method: clinical testing. Allele origin: germline.
Comment: The RAD51D c.715C>T; p.Arg239Trp variant (rs770250516; ClinVar Variation ID: 187225) is reported in the literature in individuals with breast, ovarian, or biliary tract cancers (de Oliveira 2022, Guindalini 2022, Okawa 2023, Song 2015); however, the variant was not determined to be causative. Additionally, this variant has been reported to co-occur with a pathogenic RAD51D variant (p.Arg232Ter) in individuals with ovarian cancer and in healthy carriers from multiple families (Gutierrez-Enriquez 2014, Sanchez-Bermudez 2018, Wickramanayake 2012). The p.Arg239Trp variant is observed in the general population with an overall allele frequency of 0.003% (9/276624 alleles) in the Genome Aggregation Database (v2.1.1). Computational analyses are uncertain whether this variant is neutral or deleterious (REVEL: 0.287). Due to limited information, the clinical significance of this variant is uncertain at this time. References: de Oliveira JM et al. The genetics of hereditary cancer risk syndromes in Brazil: a comprehensive analysis of 1682 patients. Eur J Hum Genet. 2022 Jul;30(7):818-823. PMID: 35534704. Guindalini RSC et al. Detection of germline variants in Brazilian breast cancer patients using multigene panel testing. Sci Rep. 2022 Mar 9;12(1):4190. PMID: 35264596. Gutierrez-Enriquez S et al. About 1% of the breast and ovarian Spanish families testing negative for BRCA1 and BRCA2 are carriers of RAD51D pathogenic variants. Int J Cancer. 2014 May 1;134(9):2088-97. PMID: 24130102. Okawa Y et al. Hereditary cancer variants and homologous recombination deficiency in biliary tract cancer. J Hepatol. 2023 Feb;78(2):333-342. PMID: 36243179. Sanchez-Bermudez AI et al. Mutational analysis of RAD51C and RAD51D genes in hereditary breast and ovarian cancer families from Murcia (southeastern Spain). Eur J Med Genet. 2018 Jun;61(6):355-361. PMID: 29409816. Song H et al. Contribution of Germline Mutations in the RAD51B, RAD51C, and RAD51D Genes to Ovarian Cancer in the Population. J Clin Oncol. 2015 Sep 10;33(26):2901-7. PMID: 26261251. Wickramanayake A et al. Loss of function germline mutations in RAD51D in women with ovarian carcinoma. Gynecol Oncol. 2012 Dec;127(3):552-5. PMID: 22986143.

Mendelics
Classification: Likely benign for Hereditary cancer. Last evaluated: 2024-01-23. Review status: criteria provided, single submitter. Criteria: ACMG Guidelines, 2015. Collection method: clinical testing. Allele origin: unknown.

Myriad Genetics, Inc.
Classification: Uncertain significance for Breast-ovarian cancer, familial, susceptibility to, 4. Last evaluated: 2023-04-06. Review status: criteria provided, single submitter. Criteria: Myriad Autosomal Dominant, Autosomal Recessive and X-Linked Classification Criteria (2023). Collection method: clinical testing. Allele origin: unknown.
Comment: This variant is classified as a variant of uncertain significance as there is insufficient evidence to determine its impact on protein function and/or cancer risk.

CeGaT Center for Human Genetics Tuebingen
Classification: Uncertain significance. Last evaluated: 2021-09-01. Review status: criteria provided, single submitter. Criteria: CeGaT Center For Human Genetics Tuebingen Variant Classification Criteria Version 2. Collection method: clinical testing. Allele origin: germline. Affected: yes. Observed: 2 variant alleles.

Sema4
Classification: Likely benign for Hereditary cancer-predisposing syndrome. Last evaluated: 2021-07-16. Review status: criteria provided, single submitter. Criteria: Sema4 Curation Guidelines. Collection method: curation. Allele origin: germline.

Fulgent Genetics
Classification: Uncertain significance for Breast-ovarian cancer, familial, susceptibility to, 4. Last evaluated: 2018-10-31. Review status: criteria provided, single submitter. Criteria: ACMG Guidelines, 2015. Collection method: clinical testing. Allele origin: unknown.

Counsyl
Classification: Uncertain significance for Breast-ovarian cancer, familial, susceptibility to, 4. Last evaluated: 2016-08-02. Review status: no assertion criteria provided. Collection method: clinical testing. Allele origin: unknown. Not counted in ClinVar's aggregate classification.

Department of Pathology and Laboratory Medicine, Sinai Health System
Classification: Uncertain significance. Review status: no assertion criteria provided. Collection method: clinical testing. Allele origin: unknown. Affected: yes. Study: The Canadian Open Genetics Repository (COGR). Not counted in ClinVar's aggregate classification.
Comment: The RAD51D p.Arg239Trp variant was identified in 8 of 10584 proband chromosomes (frequency: 0.0008) from individuals or families with breast or ovarian cancer and was not identified in 5624 control chromosomes from healthy individuals (Gutierrez-Enriquez 2013, Sanchez-Bermudez 2018, Song 2015, Wickramanayake 2012). The variant was also identified in several population studies with a co-occurring pathogenic RAD51D variant (c.694C>T, p.Arg232*) in multiple members of same families (Sanchez-Bermudez 2018, Gutierrez-Enriquez 2013, Wickramanayake 2012). The variant was also identified in dbSNP (ID: rs770250516) as "With Uncertain significance allele", and in ClinVar (classified as uncertain significance by Invitae, Ambry Genetics and four other submitters). The variant was identified in control databases in 9 of 271100 chromosomes at a frequency of 0.00003 (Genome Aggregation Database Feb 27, 2017). The variant was observed in the following populations: Other in 1 of 6340 chromosomes (freq: 0.0002), European in 5 of 123902 chromosomes (freq: 0.00004), East Asian in 2 of 18598 chromosomes (freq: 0.0001), and South Asian in 1 of 29868 chromosomes (freq: 0.00003), while the variant was not observed in the African, Latino, Ashkenazi Jewish, or Finnish populations. The p.Arg239 residue is conserved in mammals but not in more distantly related organisms, and four out of five computational analyses (PolyPhen-2, SIFT, AlignGVGD, BLOSUM, MutationTaster) suggest that the variant may impact the protein; however, this information is not predictive enough to assume pathogenicity. The variant occurs outside of the splicing consensus sequence and in silico or computational prediction software programs (SpliceSiteFinder, MaxEntScan, NNSPLICE, GeneSplicer) do not predict a difference in splicing. In summary, based on the above information the clinical significance of this variant cannot be determined with certainty at this time. This variant is classified as a variant of uncertain significance.

Literature cited by the submitters: PubMed 22986143 (cited by 6 submitters); PubMed 29409816 (cited by 5 submitters); PubMed 38439815 (cited by Institut für angewandte Humangenetik und Onkogenetik Professor Froster and Women's Health and Genetics/Laboratory Corporation of America, LabCorp); PubMed 24130102 (cited by 5 submitters); PubMed 26261251 (cited by 4 submitters); PubMed 30306255 (cited by Women's Health and Genetics/Laboratory Corporation of America, LabCorp); PubMed 33606809 (cited by Women's Health and Genetics/Laboratory Corporation of America, LabCorp); PubMed 35264596 (cited by Women's Health and Genetics/Laboratory Corporation of America, LabCorp and Quest Diagnostics Nichols Institute San Juan Capistrano); PubMed 34923718 (cited by Women's Health and Genetics/Laboratory Corporation of America, LabCorp); PubMed 35980532 (cited by Women's Health and Genetics/Laboratory Corporation of America, LabCorp); PubMed 36243179 (cited by Women's Health and Genetics/Laboratory Corporation of America, LabCorp and Quest Diagnostics Nichols Institute San Juan Capistrano); PubMed 35534704 (cited by Women's Health and Genetics/Laboratory Corporation of America, LabCorp); PubMed 36672364 (cited by Women's Health and Genetics/Laboratory Corporation of America, LabCorp); PubMed 40282418 (cited by Women's Health and Genetics/Laboratory Corporation of America, LabCorp); PubMed 37344587 (cited by Women's Health and Genetics/Laboratory Corporation of America, LabCorp); PubMed 33471991 (cited by Quest Diagnostics Nichols Institute San Juan Capistrano).